The following is an entry in ClinVar:

NM_138691.3(TMC1):c.-275G>A

Gene: TMC1 (transmembrane channel like 1; plus strand). Cytogenetic location: 9q21.13.
Variant type: single nucleotide variant.
Coding change: c.-275G>A on transcript NM_138691.3 (MANE Select); 275 bases upstream of the start codon, G replaced by A.
Molecular consequence: 5 prime UTR variant.
Genome position (GRCh38, 1-based): chr9:72,616,398, G>A. VCF-style: chr9-72616398-G-A. GRCh37 (hg19) VCF-style: chr9-75231314-G-A.
Identifiers: ClinVar variation 914693 (VCV000914693.4), dbSNP rs58824091, ClinGen allele CA193313111.

ClinVar aggregate classification (germline): Conflicting classifications of pathogenicity. Review status: criteria provided, conflicting classifications (1 of 4 stars). 2 submissions from 1 submitter: Uncertain significance (1); Benign (1). Last evaluated 2018-01-13.

Conditions:
Autosomal dominant nonsyndromic hearing loss 36. Identifiers: Orphanet 90635, MedGen C1847626, MONDO:0011708, OMIM 606705.
Autosomal recessive nonsyndromic hearing loss 7. Also called: DEAFNESS, AUTOSOMAL RECESSIVE 11. Identifiers: Orphanet 90636, MedGen C1832978, MONDO:0010967, OMIM 600974.

Allele frequency attached by ClinVar (database versions not stated): 1000 Genomes Project 0.00639; gnomAD 0.00721 and 0.00773; 1000 Genomes Project 30x 0.00750; TOPMed 0.00867.

Submissions (2):

Illumina Laboratory Services, Illumina
Classification: Benign for Autosomal dominant nonsyndromic hearing loss 36. Last evaluated: 2018-01-13. Review status: criteria provided, single submitter. Criteria: ICSL Variant Classification Criteria 13 December 2019. Collection method: clinical testing. Allele origin: germline.
Comment: This variant was observed in the ICSL laboratory as part of a predisposition screen in an ostensibly healthy population. It had not been previously curated by ICSL or reported in the Human Gene Mutation Database (HGMD: prior to June 1st, 2018), and was therefore a candidate for classification through an automated scoring system. Utilizing variant allele frequency, disease prevalence and penetrance estimates, and inheritance mode, an automated score was calculated to assess if this variant is too frequent to cause the disease. Based on the score and internal cut-off values, a variant classified as benign is not then subjected to further curation. The score for this variant resulted in a classification of benign for this disease.

Illumina Laboratory Services, Illumina
Classification: Uncertain significance for Autosomal recessive nonsyndromic hearing loss 7. Last evaluated: 2018-01-13. Review status: criteria provided, single submitter. Criteria: ICSL Variant Classification Criteria 13 December 2019. Collection method: clinical testing. Allele origin: germline.